The following is an entry in ClinVar:

ClinVar aggregate classification (germline): Uncertain significance (1 of 4 stars; one submission).

Conditions:
RASopathy. Also called: Noonan spectrum disorder; rasopathies. Identifiers: Orphanet 536391, MedGen C5555857, MONDO:0021060.

Submission:

Labcorp Genetics (formerly Invitae), Labcorp
Classification: Uncertain significance for RASopathy. Last evaluated: 2025-01-20. Review status: criteria provided, single submitter. Criteria: Invitae Variant Classification Sherloc (09022015). Collection method: clinical testing. Allele origin: germline.
Comment: This sequence change replaces proline, which is neutral and non-polar, with alanine, which is neutral and non-polar, at codon 1023 of the SOS1 protein (p.Pro1023Ala). This variant is not present in population databases (gnomAD no frequency). This variant has not been reported in the literature in individuals affected with SOS1-related conditions. Invitae Evidence Modeling of protein sequence and biophysical properties (such as structural, functional, and spatial information, amino acid conservation, physicochemical variation, residue mobility, and thermodynamic stability) indicates that this missense variant is not expected to disrupt SOS1 protein function with a negative predictive value of 95%. In summary, the available evidence is currently insufficient to determine the role of this variant in disease. Therefore, it has been classified as a Variant of Uncertain Significance.

NM_005633.4(SOS1):c.3067C>G (p.Pro1023Ala)

Gene: SOS1 (SOS Ras/Rac guanine nucleotide exchange factor 1; minus strand). Cytogenetic location: 2p22.1.
Variant type: single nucleotide variant.
Coding change: c.3067C>G on transcript NM_005633.4 (MANE Select); coding-DNA position 3067, C replaced by G.
Protein change: p.Pro1023Ala; replaces proline 1023 with alanine.
Molecular consequence: missense variant.
Genome position (GRCh38, 1-based): chr2:38,996,936, G>C on the plus strand (C>G on the coding strand, the complement: SOS1 is on the minus strand). VCF-style: chr2-38996936-G-C. GRCh37 (hg19) VCF-style: chr2-39224077-G-C.
Other names: c.3046C>G, p.Pro1016Ala (NM_001382394.1); c.3067C>G, p.Pro1023Ala (NM_001382395.1); short protein forms P1016A, P1023A.
Identifiers: ClinVar variation 3720389 (VCV003720389.2).